The following is an entry in ClinVar:

NM_000465.4(BARD1):c.860A>T (p.Glu287Val)

Gene: BARD1 (BRCA1 associated RING domain 1; minus strand). Cytogenetic location: 2q35.
Variant type: single nucleotide variant.
Coding change: c.860A>T on transcript NM_000465.4 (MANE Select); coding-DNA position 860, A replaced by T.
Protein change: p.Glu287Val; replaces glutamic acid 287 with valine.
Molecular consequence: missense variant. On other transcripts: non-coding transcript variant (2), intron variant (3).
Genome position (GRCh38, 1-based): chr2:214,781,014, T>A on the plus strand (A>T on the coding strand, the complement: BARD1 is on the minus strand). VCF-style: chr2-214781014-T-A. GRCh37 (hg19) VCF-style: chr2-215645738-T-A.
Other names: c.803A>T, p.Glu268Val (NM_001282543.2); c.158+28398A>T (NM_001282548.2); c.215+16047A>T (NM_001282545.2); c.364+11283A>T (NM_001282549.2); c.860A>T (NM_000465.2); short protein forms E268V, E287V.
Identifiers: ClinVar variation 921709 (VCV000921709.16), dbSNP rs1197692311, ClinGen allele CA350455206.
Genomic context (GRCh38, chr2:214,781,014, plus strand): 5'-TAATTTTTGCAGACCTTCTCAGGAGTCACTACTTCATTCCTGCTCTTAGTGTCTGGAGAC[T>A]CTATTTGCTCAGCCAATGGTAAAGAGACTTCAGTTAAACTTCCAAAACATTCAGATTCTG-3'
Protein context (NP_000456.2, residues 277-297): EVSLPLAEQI[Glu287Val]SPDTKSRNEV

ClinVar aggregate classification (germline): Conflicting classifications of pathogenicity. Review status: criteria provided, conflicting classifications (1 of 4 stars). 3 submissions from 3 submitters: Uncertain significance (1); Likely benign (2). Last evaluated 2024-09-19.

Conditions:
Hereditary cancer-predisposing syndrome. Also called: Neoplastic Syndromes, Hereditary; Tumor predisposition; Hereditary Cancer Syndrome; Hereditary neoplastic syndrome. Identifiers: Orphanet 140162, MedGen C0027672, MeSH D009386, MONDO:0015356.
Familial cancer of breast. Also called: BREAST CANCER, FAMILIAL; hereditary breast carcinoma; Hereditary breast cancer. Identifiers: Orphanet 227535, MedGen C0346153, MONDO:0016419, OMIM 114480. Disease mechanism: loss of function.

Allele frequency attached by ClinVar (database versions not stated): gnomAD exomes below 0.00001.
gnomAD v4.1: 2 of 1,612,696 alleles (0.00012%); highest among the groups gnomAD compares: South Asian, 0.0022%; no homozygotes.

Submissions (3):

Color Diagnostics, LLC DBA Color Health
Classification: Likely benign for Hereditary cancer-predisposing syndrome. Last evaluated: 2024-09-19. Review status: criteria provided, single submitter. Criteria: ACMG Guidelines, 2015. Collection method: clinical testing. Allele origin: germline.

Ambry Genetics
Classification: Likely benign for Hereditary cancer-predisposing syndrome. Last evaluated: 2024-07-30. Review status: criteria provided, single submitter. Criteria: Ambry Variant Classification Scheme 2023. Collection method: clinical testing. Allele origin: germline.

Labcorp Genetics (formerly Invitae), Labcorp
Classification: Uncertain significance for Familial cancer of breast. Last evaluated: 2023-11-27. Review status: criteria provided, single submitter. Criteria: Invitae Variant Classification Sherloc (09022015). Collection method: clinical testing. Allele origin: germline.
Comment: This sequence change replaces glutamic acid, which is acidic and polar, with valine, which is neutral and non-polar, at codon 287 of the BARD1 protein (p.Glu287Val). This variant is present in population databases (no rsID available, gnomAD 0.003%). This variant has not been reported in the literature in individuals affected with BARD1-related conditions. ClinVar contains an entry for this variant (Variation ID: 921709). Algorithms developed to predict the effect of missense changes on protein structure and function output the following: SIFT: "Not Available"; PolyPhen-2: "Benign"; Align-GVGD: "Not Available". The valine amino acid residue is found in multiple mammalian species, which suggests that this missense change does not adversely affect protein function. In summary, the available evidence is currently insufficient to determine the role of this variant in disease. Therefore, it has been classified as a Variant of Uncertain Significance.